The following is an entry in ClinVar:

ClinVar aggregate classification (germline): Pathogenic (1 of 4 stars; one submission).

Conditions:
Autosomal recessive nonsyndromic hearing loss 3. Also called: NEUROSENSORY NONSYNDROMIC RECESSIVE DEAFNESS 3. Identifiers: Orphanet 90636, MedGen C1838263, MONDO:0010860, OMIM 600316.

Submission:

Institute of Rare Diseases, West China Hospital, Sichuan University
Classification: Pathogenic for Autosomal recessive nonsyndromic hearing loss 3. Last evaluated: 2025-01-09. Review status: criteria provided, single submitter. Criteria: ClinGen HL ACMG Specifications v1. Collection method: research. Allele origin: germline. Affected: yes.
Comment: PVS1;PM3;PM2_Supporting

NM_016239.4(MYO15A):c.8459+2T>A

Gene: MYO15A (myosin XVA; plus strand). Cytogenetic location: 17p11.2.
Variant type: single nucleotide variant.
Coding change: c.8459+2T>A on transcript NM_016239.4 (MANE Select); the canonical splice donor site of the intron after coding-DNA position 8459, T replaced by A.
Molecular consequence: splice donor variant.
Genome position (GRCh38, 1-based): chr17:18,155,434, T>A. VCF-style: chr17-18155434-T-A. GRCh37 (hg19) VCF-style: chr17-18058748-T-A.
Identifiers: ClinVar variation 3601400 (VCV003601400.1).